The following is an entry in ClinVar:

ClinVar aggregate classification (germline): Uncertain significance. Review status: criteria provided, multiple submitters, no conflicts (2 of 4 stars). 2 submissions from 2 submitters: Uncertain significance (2). Last evaluated 2022-12-13.

Conditions:
Inborn genetic diseases. Identifiers: MedGen C0950123, MeSH D030342.

Allele frequency attached by ClinVar (database versions not stated): ExAC 0.00001.
gnomAD v4.1: 38 of 1,610,184 alleles (0.0024%); highest among the groups gnomAD compares: Non-Finnish European, 0.0028%; no homozygotes.

Submissions (2):

Ambry Genetics
Classification: Uncertain significance for Inborn genetic diseases. Last evaluated: 2022-12-13. Review status: criteria provided, single submitter. Criteria: Ambry Variant Classification Scheme 2023. Collection method: clinical testing. Allele origin: germline.

Labcorp Genetics (formerly Invitae), Labcorp
Classification: Uncertain significance. Last evaluated: 2022-06-30. Review status: criteria provided, single submitter. Criteria: Invitae Variant Classification Sherloc (09022015). Collection method: clinical testing. Allele origin: germline.
Comment: This sequence change replaces asparagine, which is neutral and polar, with lysine, which is basic and polar, at codon 263 of the PEPD protein (p.Asn263Lys). This variant is present in population databases (rs764977621, gnomAD 0.0009%). This variant has not been reported in the literature in individuals affected with PEPD-related conditions. Algorithms developed to predict the effect of missense changes on protein structure and function (SIFT, PolyPhen-2, Align-GVGD) all suggest that this variant is likely to be disruptive. In summary, the available evidence is currently insufficient to determine the role of this variant in disease. Therefore, it has been classified as a Variant of Uncertain Significance.

NM_000285.4(PEPD):c.789C>A (p.Asn263Lys)

Gene: PEPD (peptidase D; minus strand). Cytogenetic location: 19q13.11.
Variant type: single nucleotide variant.
Coding change: c.789C>A on transcript NM_000285.4 (MANE Select); coding-DNA position 789, C replaced by A.
Protein change: p.Asn263Lys; replaces asparagine 263 with lysine.
Molecular consequence: missense variant.
Genome position (GRCh38, 1-based): chr19:33,411,701, G>T on the plus strand (C>A on the coding strand, the complement: PEPD is on the minus strand). VCF-style: chr19-33411701-G-T. GRCh37 (hg19) VCF-style: chr19-33902607-G-T.
Other names: c.666C>A, p.Asn222Lys (NM_001166056.2); c.597C>A, p.Asn199Lys (NM_001166057.2); short protein forms N199K, N263K, N222K.
Identifiers: ClinVar variation 2070478 (VCV002070478.2), dbSNP rs764977621, ClinGen allele CA9364134.
Genomic context (GRCh38, chr19:33,411,701, plus strand): 5'-ACACAGAGCCAGGGCCGCTGGCCCTACTTACCACATATCCCCATTCTGGATCGTTCGGTC[G>T]TTGGGAGCTCCGGCGTGTCCGTAGTGTAGCACGGCTGAGTTCTCACCACTGCAAAGAGCC-3'
Protein context (NP_000276.2, residues 253-273): VLHYGHAGAP[Asn263Lys]DRTIQNGDMC